The following is an entry in ClinVar:

NM_207122.2(EXT2):c.1244A>G (p.Asn415Ser)

Gene: EXT2 (exostosin glycosyltransferase 2; plus strand). Cytogenetic location: 11p11.2.
Variant type: single nucleotide variant.
Coding change: c.1244A>G on transcript NM_207122.2 (MANE Select); coding-DNA position 1244, A replaced by G.
Protein change: p.Asn415Ser; replaces asparagine 415 with serine.
Molecular consequence: missense variant.
Genome position (GRCh38, 1-based): chr11:44,171,681, A>G. VCF-style: chr11-44171681-A-G. GRCh37 (hg19) VCF-style: chr11-44193231-A-G.
Other names: c.1343A>G, p.Asn448Ser (NM_000401.3); c.1274A>G, p.Asn425Ser (NM_001178083.3); c.1244A>G, p.Asn415Ser (NM_001389628.1, NM_001389630.1); short protein forms N415S, N425S, N448S.
Identifiers: ClinVar variation 2053675 (VCV002053675.6), dbSNP rs767085143, ClinGen allele CA5955197.

ClinVar aggregate classification (germline): Conflicting classifications of pathogenicity. Review status: criteria provided, conflicting classifications (1 of 4 stars). 3 submissions from 3 submitters: Uncertain significance (2); Likely benign (1). Last evaluated 2024-03-30.

Conditions:
Exostoses, multiple, type 2 (EXT2). Also called: Hereditary Multiple Osteochondromatosis, Type II; EXOSTOSES, MULTIPLE, TYPE II. Identifiers: Orphanet 321, MedGen C1851413, MONDO:0007586, OMIM 133701.
Seizures-scoliosis-macrocephaly syndrome. Also called: Seizures, scoliosis, and macrocephaly syndrome; SEIZURES, SCOLIOSIS, AND MACROCEPHALY/MICROCEPHALY SYNDROME. Identifiers: Orphanet 466926, MedGen C4225248, MONDO:0014731, OMIM 616682.

Allele frequency attached by ClinVar (database versions not stated): gnomAD 0.00001; gnomAD exomes 0.00001; ExAC 0.00002; TOPMed 0.00005.
gnomAD v4.1: 22 of 1,614,012 alleles (0.0014%); highest among the groups gnomAD compares: East Asian, 0.011%; no homozygotes.

Submissions (3):

Labcorp Genetics (formerly Invitae), Labcorp
Classification: Uncertain significance for Exostoses, multiple, type 2. Last evaluated: 2024-03-30. Review status: criteria provided, single submitter. Criteria: Invitae Variant Classification Sherloc (09022015). Collection method: clinical testing. Allele origin: germline.
Comment: This sequence change replaces asparagine, which is neutral and polar, with serine, which is neutral and polar, at codon 415 of the EXT2 protein (p.Asn415Ser). This variant is present in population databases (rs767085143, gnomAD 0.03%). This missense change has been observed in individual(s) with chordoma (PMID: 34070849). This variant is also known as p.Asn448Ser. ClinVar contains an entry for this variant (Variation ID: 2053675). Advanced modeling of protein sequence and biophysical properties (such as structural, functional, and spatial information, amino acid conservation, physicochemical variation, residue mobility, and thermodynamic stability) performed at Invitae indicates that this missense variant is not expected to disrupt EXT2 protein function with a negative predictive value of 80%. In summary, the available evidence is currently insufficient to determine the role of this variant in disease. Therefore, it has been classified as a Variant of Uncertain Significance.

Fulgent Genetics
Classification: Uncertain significance for Exostoses, multiple, type 2; Seizures-scoliosis-macrocephaly syndrome. Last evaluated: 2024-02-07. Review status: criteria provided, single submitter. Criteria: ACMG Guidelines, 2015. Collection method: clinical testing. Allele origin: germline.

Blueprint Genetics
Classification: Likely benign. Last evaluated: 2021-11-30. Review status: criteria provided, single submitter. Criteria: ACMG Guidelines, 2015. Collection method: clinical testing. Allele origin: germline.

Literature cited by the submitters: PubMed 34070849 (cited by Labcorp Genetics (formerly Invitae), Labcorp).